The following is an entry in ClinVar:

NM_007294.4(BRCA1):c.103G>A (p.Val35Ile)

Gene: BRCA1 (BRCA1 DNA repair associated; minus strand). Cytogenetic location: 17q21.31.
Variant type: single nucleotide variant.
Coding change: c.103G>A on transcript NM_007294.4 (MANE Select); coding-DNA position 103, G replaced by A.
Protein change: p.Val35Ile; replaces valine 35 with isoleucine.
Molecular consequence: missense variant. On other transcripts: non-coding transcript variant (1), intron variant (1).
Genome position (GRCh38, 1-based): chr17:43,115,757, C>T on the plus strand (G>A on the coding strand, the complement: BRCA1 is on the minus strand). VCF-style: chr17-43115757-C-T. GRCh37 (hg19) VCF-style: chr17-41267774-C-T.
Other names: c.-86G>A (NM_001407571.1, NM_001407853.1, NM_001407879.1 and 52 more transcripts); c.103G>A, p.Val35Ile (NM_001407581.1, NM_001407582.1, NM_001407583.1 and 192 more transcripts); c.-155G>A (NM_001407696.1, NM_001407724.1, NM_001407727.1 and 13 more transcripts); c.-39G>A (NM_001407697.1, NM_001407725.1, NM_001407728.1 and 47 more transcripts); c.-35G>A (NM_001407841.1); c.-202G>A (NM_001407889.1, NM_001407900.1, NM_001408492.1); c.-201G>A (NM_001407960.1, NM_001407962.1, NM_001408510.1 and 1 more transcripts); c.-317G>A (NM_001407965.1); and 2 more; short protein forms V35I.
Identifiers: ClinVar variation 867489 (VCV000867489.9), dbSNP rs879255284, ClinGen allele CA10601948.

ClinVar aggregate classification (germline): Uncertain significance (1 of 4 stars; one submission).

Conditions:
Hereditary breast ovarian cancer syndrome. Also called: Hereditary breast and/or ovarian cancer syndrome; BRCA1- and BRCA2-Associated Hereditary Breast and Ovarian Cancer; Hereditary breast and ovarian cancer syndrome; Hereditary breast and ovarian cancer; Hereditary breast and ovarian cancer syndrome (HBOC); Breast and ovarian cancer. Identifiers: Orphanet 145, MedGen C0677776, MeSH D061325, MONDO:0003582. Disease mechanism: loss of function.

Submissions (2):

Labcorp Genetics (formerly Invitae), Labcorp
Classification: Uncertain significance for Hereditary breast ovarian cancer syndrome. Last evaluated: 2021-11-26. Review status: criteria provided, single submitter. Criteria: Invitae Variant Classification Sherloc (09022015). Collection method: clinical testing. Allele origin: germline.
Comment: Experimental studies have shown that this missense change does not substantially affect BRCA1 function (PMID: 30209399). In summary, the available evidence is currently insufficient to determine the role of this variant in disease. Therefore, it has been classified as a Variant of Uncertain Significance. Advanced modeling of protein sequence and biophysical properties (such as structural, functional, and spatial information, amino acid conservation, physicochemical variation, residue mobility, and thermodynamic stability) performed at Invitae indicates that this missense variant is not expected to disrupt BRCA1 protein function. This sequence change replaces valine, which is neutral and non-polar, with isoleucine, which is neutral and non-polar, at codon 35 of the BRCA1 protein (p.Val35Ile). This variant is not present in population databases (gnomAD no frequency). This variant has not been reported in the literature in individuals affected with BRCA1-related conditions. ClinVar contains an entry for this variant (Variation ID: 867489).

Brotman Baty Institute, University of Washington
No classification provided (evidence only). Condition: Breast-ovarian cancer, familial 1. Review status: no classification provided. Collection method: in vitro. Allele origin: not applicable. Functional consequence: functionally_normal. Not counted in ClinVar's aggregate classification.
ClinVar note: "not provided" was previously submitted as the classification for the variant. However, the classification appeared to be based only on an observation of functional data so it was converted to no classification on 2025-07-30.

Literature cited by the submitters: PubMed 30209399 (cited by Labcorp Genetics (formerly Invitae), Labcorp).